The following is an entry in ClinVar:

NM_000553.6(WRN):c.3704G>A (p.Ser1235Asn)

Gene: WRN (WRN RecQ like helicase; plus strand). Cytogenetic location: 8p12.
Variant type: single nucleotide variant.
Coding change: c.3704G>A on transcript NM_000553.6 (MANE Select); coding-DNA position 3704, G replaced by A.
Protein change: p.Ser1235Asn; replaces serine 1235 with asparagine.
Molecular consequence: missense variant.
Genome position (GRCh38, 1-based): chr8:31,154,640, G>A. VCF-style: chr8-31154640-G-A. GRCh37 (hg19) VCF-style: chr8-31012156-G-A.
Other names: short protein forms S1235N.
Identifiers: ClinVar variation 1063973 (VCV001063973.1), dbSNP rs777064429, ClinGen allele CA4705165.

ClinVar aggregate classification (germline): Uncertain significance (1 of 4 stars; one submission).

Conditions:
Werner syndrome (WRN). Identifiers: Orphanet 902, MedGen C0043119, MONDO:0010196, OMIM 277700.

Allele frequency attached by ClinVar (database versions not stated): gnomAD 0.00003 and 0.00004; ExAC 0.00004; gnomAD exomes 0.00004 and 0.00007.
gnomAD v4.1: 31 of 1,612,692 alleles (0.0019%); highest among the groups gnomAD compares: African/African-American, 0.0013%; no homozygotes.

Submission:

Labcorp Genetics (formerly Invitae), Labcorp
Classification: Uncertain significance for Werner syndrome. Last evaluated: 2020-02-07. Review status: criteria provided, single submitter. Criteria: Invitae Variant Classification Sherloc (09022015). Collection method: clinical testing. Allele origin: germline.
Comment: This sequence change replaces serine with asparagine at codon 1235 of the WRN protein (p.Ser1235Asn). The serine residue is moderately conserved and there is a small physicochemical difference between serine and asparagine. This variant is present in population databases (rs777064429, ExAC 0.05%). This variant has not been reported in the literature in individuals with WRN-related conditions. Algorithms developed to predict the effect of missense changes on protein structure and function output the following: SIFT: Not Available; PolyPhen-2: Benign; Align-GVGD: Not Available. The asparagine amino acid residue is found in multiple mammalian species, suggesting that this missense change does not adversely affect protein function. These predictions have not been confirmed by published functional studies and their clinical significance is uncertain. In summary, the available evidence is currently insufficient to determine the role of this variant in disease. Therefore, it has been classified as a Variant of Uncertain Significance.